The following is an entry in ClinVar:

NM_003000.3(SDHB):c.73-8A>G

Gene: SDHB (succinate dehydrogenase complex iron sulfur subunit B; minus strand). Cytogenetic location: 1p36.13.
Variant type: single nucleotide variant.
Coding change: c.73-8A>G on transcript NM_003000.3 (MANE Select); 8 bases into the intron before coding-DNA position 73, A replaced by G.
Molecular consequence: intron variant.
Genome position (GRCh38, 1-based): chr1:17,044,896, T>C on the plus strand (A>G on the coding strand, the complement: SDHB is on the minus strand). VCF-style: chr1-17044896-T-C. GRCh37 (hg19) VCF-style: chr1-17371391-T-C.
Other names: c.73-8A>G (NM_001407361.1).
Identifiers: ClinVar variation 2497263 (VCV002497263.5), dbSNP rs2525060252, ClinGen allele CA658655604.

ClinVar aggregate classification (germline): Conflicting classifications of pathogenicity. Review status: criteria provided, conflicting classifications (1 of 4 stars). 2 submissions from 2 submitters: Likely pathogenic (1); Uncertain significance (1). Last evaluated 2025-07-31.

Conditions:
Hereditary cancer-predisposing syndrome. Also called: Hereditary Cancer Syndrome; Hereditary neoplastic syndrome; Neoplastic Syndromes, Hereditary; Tumor predisposition. Identifiers: Orphanet 140162, MedGen C0027672, MeSH D009386, MONDO:0015356.
Pheochromocytoma. Also called: MAX-Related Hereditary Paraganglioma-Pheochromocytoma Syndrome. Identifiers: Orphanet 29072, MedGen C0031511, MONDO:0008233, OMIM 171300, HP:0002666.
Pheochromocytoma/paraganglioma syndrome 4. Also called: CAROTID BODY TUMORS AND MULTIPLE EXTRAADRENAL PHEOCHROMOCYTOMAS; PARAGANGLIOMA, FAMILIAL MALIGNANT; PARAGANGLIOMAS, HEREDITARY EXTRAADRENAL; PHEOCHROMOCYTOMA, FAMILIAL EXTRAADRENAL; Paragangliomas 4; SDHB-Related Hereditary Paraganglioma-Pheochromocytoma Syndrome (Paragangliomas 4). Identifiers: Orphanet 29072, MedGen C1861848, MONDO:0007273, OMIM 115310.
Gastrointestinal stromal tumor. Also called: Gastrointestinal stromal tumor, somatic; Gastrointestinal stroma tumor. Identifiers: Orphanet 44890, MedGen C0238198, MeSH D046152, MONDO:0011719, OMIM 606764, HP:0100723.

Submissions (2):

Labcorp Genetics (formerly Invitae), Labcorp
Classification: Uncertain significance for Gastrointestinal stromal tumor; Pheochromocytoma/paraganglioma syndrome 4; Pheochromocytoma. Last evaluated: 2025-07-31. Review status: criteria provided, single submitter. Criteria: Invitae Variant Classification Sherloc (09022015). Collection method: clinical testing. Allele origin: germline.
Comment: This sequence change falls in intron 1 of the SDHB gene. It does not directly change the encoded amino acid sequence of the SDHB protein. This variant is not present in population databases (gnomAD no frequency). This variant has not been reported in the literature in individuals affected with SDHB-related conditions. ClinVar contains an entry for this variant (Variation ID: 2497263). RNA analysis provides insufficient evidence to determine the effect of this variant on SDHB splicing (internal data). Algorithms developed to predict the effect of sequence changes on RNA splicing suggest that this variant may disrupt the consensus splice site. In summary, the available evidence is currently insufficient to determine the role of this variant in disease. Therefore, it has been classified as a Variant of Uncertain Significance.

Ambry Genetics
Classification: Likely pathogenic for Hereditary cancer-predisposing syndrome. Last evaluated: 2024-04-03. Review status: criteria provided, single submitter. Criteria: Ambry Variant Classification Scheme 2023. Collection method: clinical testing. Allele origin: germline.
Comment: The c.73-8A>G intronic variant results from an A to G substitution 8 nucleotides upstream from coding exon 2 in the SDHB gene. This alteration has been observed in individuals with a personal and/or family history that is consistent with SDHB-related disease (Ambry internal data; Baptista P et al. Cureus 2022 Dec;14(12):e32504). This nucleotide position is well conserved in available vertebrate species. In silico splice site analysis predicts that this alteration will weaken the native splice acceptor site and will result in the creation or strengthening of a novel splice acceptor site. RNA studies have demonstrated that this alteration results in abnormal splicing in the set of samples tested (Ambry internal data). Based on the majority of available evidence to date, this variant is likely to be pathogenic.

Literature cited by the submitters: PubMed 36654613 (cited by Ambry Genetics).